The following is an entry in ClinVar:

NC_000016.9:g.(?_23625315)_(23652478_?)del

Gene: PALB2 (partner and localizer of BRCA2; minus strand). Cytogenetic location: 16p12.2.
Variant type: Deletion.
Identifiers: ClinVar variation 2426858 (VCV002426858.4).

ClinVar aggregate classification (germline): Pathogenic (1 of 4 stars; one submission).

Conditions:
Familial cancer of breast. Also called: Hereditary breast cancer; BREAST CANCER, FAMILIAL; hereditary breast carcinoma. Identifiers: Orphanet 227535, MedGen C0346153, MONDO:0016419, OMIM 114480. Disease mechanism: loss of function.

Submission:

Labcorp Genetics (formerly Invitae), Labcorp
Classification: Pathogenic for Familial cancer of breast. Last evaluated: 2023-06-03. Review status: criteria provided, single submitter. Criteria: Invitae Variant Classification Sherloc (09022015). Collection method: clinical testing. Allele origin: germline.
Comment: For these reasons, this variant has been classified as Pathogenic. This variant has not been reported in the literature in individuals affected with PALB2-related conditions. This variant is a gross deletion of the genomic region encompassing exon(s) 1-11 of the PALB2 gene, which includes the initiator codon. This deletion extends beyond the assayed region for this gene and therefore may encompass additional genes. It is expected to result in an absent or disrupted protein product. Loss-of-function variants in PALB2 are known to be pathogenic (PMID: 17200668, 17200671, 17200672, 24136930, 25099575).

Literature cited by the submitters: PubMed 17200668; PubMed 17200671; PubMed 17200672; PubMed 24136930; PubMed 25099575.